The following is an entry in ClinVar:

ClinVar aggregate classification (germline): Pathogenic (1 of 4 stars; one submission).

Submission:

Labcorp Genetics (formerly Invitae), Labcorp
Classification: Pathogenic. Last evaluated: 2020-04-06. Review status: criteria provided, single submitter. Criteria: Invitae Variant Classification Sherloc (09022015). Collection method: clinical testing. Allele origin: germline.
Comment: For these reasons, this variant has been classified as Pathogenic. Loss-of-function variants in AGXT are known to be pathogenic (PMID: 19479957). This variant has not been reported in the literature in individuals with AGXT-related conditions. This variant is not present in population databases (ExAC no frequency). This sequence change creates a premature translational stop signal (p.Val266Serfs*7) in the AGXT gene. It is expected to result in an absent or disrupted protein product.

Literature cited by the submitters: PubMed 19479957.

NM_000030.3(AGXT):c.795del (p.Val266fs)

Gene: AGXT (alanine--glyoxylate aminotransferase; plus strand). Cytogenetic location: 2q37.3.
Variant type: Deletion.
Coding change: c.795del on transcript NM_000030.3 (MANE Select); coding-DNA position 795, one base deleted (C; older notation c.795delC).
Protein change: p.Val266fs; shifts the reading frame from valine 266.
Molecular consequence: frameshift variant.
Genome position (GRCh38, 1-based): chr2:240,875,953, C deleted; the last of 4 consecutive C bases (chr2:240,875,950-240,875,953); deleting any one gives the same sequence. VCF-style (leftmost placement, unchanged base first): chr2-240875949-TC-T. GRCh37 (hg19) VCF-style: chr2-241815366-TC-T.
Other names: short protein forms V266fs.
Identifiers: ClinVar variation 1069766 (VCV001069766.7), dbSNP rs2106430885, ClinGen allele CA2499215815.